The following is an entry in ClinVar:

NM_145698.5(ACBD5):c.122C>A (p.Ser41Tyr)

Genes: ACBD5 (acyl-CoA binding domain containing 5; minus strand), LOC130003557 (ATAC-STARR-seq lymphoblastoid active region 3182; plus strand). Cytogenetic location: 10p12.1.
Variant type: single nucleotide variant.
Coding change: c.122C>A on transcript NM_145698.5 (MANE Select); coding-DNA position 122, C replaced by A.
Protein change: p.Ser41Tyr; replaces serine 41 with tyrosine.
Molecular consequence: missense variant. On other transcripts: 5 prime UTR variant (7).
Genome position (GRCh38, 1-based): chr10:27,240,378, G>T on the plus strand (C>A on the coding strand, the complement: ACBD5 is on the minus strand). VCF-style: chr10-27240378-G-T. GRCh37 (hg19) VCF-style: chr10-27529307-G-T.
Other names: c.17C>A, p.Ser6Tyr (NM_001042473.4, NM_001352574.2, NM_001352575.2 and 6 more transcripts); c.116C>A, p.Ser39Tyr (NM_001271512.3, NM_001352571.1, NM_001352586.1 and 1 more transcripts); c.-85C>A (NM_001301251.2, NM_001301252.2, NM_001301253.2 and 4 more transcripts); c.143C>A, p.Ser48Tyr (NM_001352568.1, NM_001352572.1); c.122C>A, p.Ser41Tyr (NM_001352569.1, NM_001352570.1, NM_001352573.1 and 2 more transcripts); short protein forms S48Y, S39Y, S6Y, S41Y.
Identifiers: ClinVar variation 969184 (VCV000969184.12), dbSNP rs2065329219, ClinGen allele CA376378711.
Genomic context (GRCh38, chr10:27,240,378, plus strand): 5'-CCATTCTTCGGCAAACTCTGGATCACCTTCACGGCCGCCTCAAACCTAGTCTCGTGCACG[G>T]ATCTCGTGTCCGCCATCTCCAGCTGCCAGTGTTGGCCCCGGTCCCAAGGTCTGTCGGCGG-3'
Protein context (NP_663736.2, residues 31-51): HWQLEMADTR[Ser41Tyr]VHETRFEAAV

ClinVar aggregate classification (germline): Uncertain significance (1 of 4 stars; one submission).

Conditions:
Retinal dystrophy with leukodystrophy. Identifiers: MedGen C5394315, MONDO:0030026, OMIM 618863.

Submission:

Labcorp Genetics (formerly Invitae), Labcorp
Classification: Uncertain significance. Last evaluated: 2022-10-13. Review status: criteria provided, single submitter. Criteria: Invitae Variant Classification Sherloc (09022015). Collection method: clinical testing. Allele origin: germline.
Comment: In summary, the available evidence is currently insufficient to determine the role of this variant in disease. Therefore, it has been classified as a Variant of Uncertain Significance. Advanced modeling of protein sequence and biophysical properties (such as structural, functional, and spatial information, amino acid conservation, physicochemical variation, residue mobility, and thermodynamic stability) performed at Invitae indicates that this missense variant is not expected to disrupt ACBD5 protein function. ClinVar contains an entry for this variant (Variation ID: 969184). This variant has not been reported in the literature in individuals affected with ACBD5-related conditions. This variant is not present in population databases (gnomAD no frequency). This sequence change replaces serine, which is neutral and polar, with tyrosine, which is neutral and polar, at codon 41 of the ACBD5 protein (p.Ser41Tyr).